The following is an entry in ClinVar:

NM_030957.4(ADAMTS10):c.70C>T (p.His24Tyr)

Gene: ADAMTS10 (ADAM metallopeptidase with thrombospondin type 1 motif 10; minus strand). Cytogenetic location: 19p13.2.
Variant type: single nucleotide variant.
Coding change: c.70C>T on transcript NM_030957.4 (MANE Select); coding-DNA position 70, C replaced by T.
Protein change: p.His24Tyr; replaces histidine 24 with tyrosine.
Molecular consequence: missense variant.
Genome position (GRCh38, 1-based): chr19:8,605,641, G>A on the plus strand (C>T on the coding strand, the complement: ADAMTS10 is on the minus strand). VCF-style: chr19-8605641-G-A. GRCh37 (hg19) VCF-style: chr19-8670526-G-A.
Other names: short protein forms H24Y.
Identifiers: ClinVar variation 808438 (VCV000808438.44), dbSNP rs142809062, ClinGen allele CA9160957.

ClinVar aggregate classification (germline): Uncertain significance. Review status: criteria provided, multiple submitters, no conflicts (2 of 4 stars). 2 submissions from 2 submitters: Uncertain significance (2). Last evaluated 2022-10-03.

Allele frequency attached by ClinVar (database versions not stated): gnomAD exomes 0.00001 and 0.00002; TOPMed 0.00002; ExAC 0.00003; gnomAD 0.00004; ESP Exome Variant Server 0.00015.
gnomAD v4.1: 34 of 1,613,468 alleles (0.0021%); highest among the groups gnomAD compares: Non-Finnish European, 0.0028%; no homozygotes.

Submissions (2):

Labcorp Genetics (formerly Invitae), Labcorp
Classification: Uncertain significance. Last evaluated: 2022-10-03. Review status: criteria provided, single submitter. Criteria: Invitae Variant Classification Sherloc (09022015). Collection method: clinical testing. Allele origin: germline.
Comment: This sequence change replaces histidine, which is basic and polar, with tyrosine, which is neutral and polar, at codon 24 of the ADAMTS10 protein (p.His24Tyr). This variant is present in population databases (rs142809062, gnomAD 0.006%). This variant has not been reported in the literature in individuals affected with ADAMTS10-related conditions. ClinVar contains an entry for this variant (Variation ID: 808438). Algorithms developed to predict the effect of missense changes on protein structure and function (SIFT, PolyPhen-2, Align-GVGD) all suggest that this variant is likely to be tolerated. Algorithms developed to predict the effect of sequence changes on RNA splicing suggest that this variant may create or strengthen a splice site. In summary, the available evidence is currently insufficient to determine the role of this variant in disease. Therefore, it has been classified as a Variant of Uncertain Significance.

CeGaT Center for Human Genetics Tuebingen
Classification: Uncertain significance. Last evaluated: 2019-02-01. Review status: criteria provided, single submitter. Criteria: CeGaT Center For Human Genetics Tuebingen Variant Classification Criteria Version 2. Collection method: clinical testing. Allele origin: germline. Affected: yes. Observed: 1 variant allele.